The following is an entry in ClinVar:

NM_004304.5(ALK):c.3832T>G (p.Tyr1278Asp)

Gene: ALK (ALK receptor tyrosine kinase; minus strand). Cytogenetic location: 2p23.2.
Variant type: single nucleotide variant.
Coding change: c.3832T>G on transcript NM_004304.5 (MANE Select); coding-DNA position 3832, T replaced by G.
Protein change: p.Tyr1278Asp; replaces tyrosine 1278 with aspartic acid.
Molecular consequence: missense variant.
Genome position (GRCh38, 1-based): chr2:29,209,790, A>C on the plus strand (T>G on the coding strand, the complement: ALK is on the minus strand). VCF-style: chr2-29209790-A-C. GRCh37 (hg19) VCF-style: chr2-29432656-A-C.
Other names: c.628T>G, p.Tyr210Asp (NM_001353765.2); short protein forms Y1278D, Y210D.
Identifiers: ClinVar variation 4530185 (VCV004530185.1).
Genomic context (GRCh38, chr2:29,209,790, plus strand): 5'-TTGAGGGGCTGAGGTGGAAGAGACAGGCCCGGAGGGGTGAGGCAGTCTTTACTCACCTGT[A>C]GATGTCTCGGGCCATCCCGAAGTCTCCAATCTTGGCCACTCTTCCAGGGCCTGGACAGGT-3'
Protein context (NP_004295.2, residues 1268-1288): IGDFGMARDI[Tyr1278Asp]RASYYRKGGC

ClinVar aggregate classification (somatic clinical impact): Tier I - Strong (1 of 4 stars; one submission).

Conditions:
Neuroblastoma (NB). Identifiers: Orphanet 635, MedGen C0027819, MeSH D009447, MONDO:0005072, HP:0003006.

Submission:

Institute for Genomic Medicine (IGM) Clinical Laboratory, Nationwide Children's Hospital
Classification: Tier I - Strong for Neuroblastoma. Assertion type: diagnostic. Clinical significance: supports diagnosis. Last evaluated: 2024-09-11. Review status: criteria provided, single submitter. Criteria: AMP/ASCO/CAP Guidelines, 2017. Collection method: clinical testing. Allele origin: somatic. Affected: yes.
Comment: Variant has Tier I (strong) clinical significance as a diagnostic inclusion criterion in neuroblastoma, based on the following evidence: 1) Appears in one or more well-established professional guidelines (e.g., World Health Organization [WHO]; National Comprehensive Cancer Network [NCCN]) as providing diagnostic, prognostic, or therapeutic information. 2) Information in the literature supports potential biologic effect of variant (PMIDs: 29084134, 25517749). 3) Diagnostic for a specific tumor type/classification based on well-powered studies with expert-level consensus (Evidence Level B; PMIDs: 21632861, 23334666, 18923523, 18923524, 25517749, 34250410, 33056981, 30523111).

Literature cited by the submitters: PubMed 29084134; PubMed 25517749; PubMed 21632861; PubMed 23334666; PubMed 18923523; PubMed 18923524; PubMed 34250410; PubMed 33056981; PubMed 30523111.